The following is an entry in ClinVar:

ClinVar aggregate classification (germline): Likely pathogenic (1 of 4 stars; one submission).

Conditions:
Hereditary cancer-predisposing syndrome. Also called: Hereditary Cancer Syndrome; Hereditary neoplastic syndrome; Tumor predisposition; Neoplastic Syndromes, Hereditary. Identifiers: Orphanet 140162, MedGen C0027672, MeSH D009386, MONDO:0015356.

Submission:

Ambry Genetics
Classification: Likely pathogenic for Hereditary cancer-predisposing syndrome. Last evaluated: 2022-08-04. Review status: criteria provided, single submitter. Criteria: Ambry Variant Classification Scheme 2023. Collection method: clinical testing. Allele origin: germline.
Comment: The c.2376+2dupT intronic variant, results from a duplication of two nucleotides at nucleotide position 2376 after intron 14 of the ATM gene. Alterations that disrupt the canonical splice site are expected to result in aberrant splicing. In silico splice site analysis predicts that this alteration will weaken the native splice donor site. The resulting transcript is predicted to be in-frame and is not expected to trigger nonsense-mediated mRNAdecay; however, direct evidence is unavailable. The exact functional effect of the altered amino acid sequence is unknown; however, the impacted region is critical for protein function (Ambry internal data). This variant is considered to be rare based on population cohorts in the Genome Aggregation Database (gnomAD). This nucleotide position is highly conserved in available vertebrate species. Based on the majority of available evidence to date, this variant is likely to be pathogenic.

NM_000051.4(ATM):c.2376+2dup

Gene: ATM (ATM serine/threonine kinase; plus strand). Cytogenetic location: 11q22.3.
Variant type: Duplication.
Coding change: c.2376+2dup on transcript NM_000051.4 (MANE Select); the canonical splice donor site of the intron after coding-DNA position 2376, one base duplicated (T; older notation c.2376+2dupT).
Molecular consequence: splice donor variant.
Genome position (GRCh38, 1-based): chr11:108,257,608, T duplicated. VCF-style (leftmost placement, unchanged base first): chr11-108257607-G-GT. GRCh37 (hg19) VCF-style: chr11-108128334-G-GT.
Other names: c.2376+2dup (NM_001351834.2).
Identifiers: ClinVar variation 1790350 (VCV001790350.2), dbSNP rs2497389540, ClinGen allele CA2580083351.